The following is an entry in ClinVar:

ClinVar aggregate classification (germline): Pathogenic/Likely pathogenic. Review status: criteria provided, multiple submitters, no conflicts (2 of 4 stars). 2 submissions from 2 submitters: Pathogenic (1); Likely pathogenic (1). Last evaluated 2022-01-13.

Conditions:
Hereditary diffuse gastric adenocarcinoma (HDGC). Also called: DIFFUSE GASTRIC AND LOBULAR BREAST CANCER SYNDROME. Identifiers: Orphanet 26106, MedGen C1708349, MONDO:0007648, OMIM 137215.
Familial cancer of breast. Also called: hereditary breast carcinoma; BREAST CANCER, FAMILIAL; Hereditary breast cancer. Identifiers: Orphanet 227535, MedGen C0346153, MONDO:0016419, OMIM 114480. Disease mechanism: loss of function.

Submissions (2):

Genetics and Molecular Pathology, SA Pathology
Classification: Likely pathogenic for Familial cancer of breast. Last evaluated: 2022-01-13. Review status: criteria provided, single submitter. Criteria: ACMG Guidelines, 2015. Collection method: clinical testing. Allele origin: germline. Affected: yes.

Labcorp Genetics (formerly Invitae), Labcorp
Classification: Pathogenic for Hereditary diffuse gastric adenocarcinoma. Last evaluated: 2021-10-19. Review status: criteria provided, single submitter. Criteria: Invitae Variant Classification Sherloc (09022015). Collection method: clinical testing. Allele origin: germline.
Comment: This sequence change creates a premature translational stop signal (p.Asn405Lysfs*12) in the CDH1 gene. It is expected to result in an absent or disrupted protein product. Loss-of-function variants in CDH1 are known to be pathogenic (PMID: 15235021, 20373070). This variant is not present in population databases (ExAC no frequency). This variant has not been reported in the literature in individuals affected with CDH1-related conditions. For these reasons, this variant has been classified as Pathogenic.

Literature cited by the submitters: PubMed 15235021 (cited by Labcorp Genetics (formerly Invitae), Labcorp); PubMed 20373070 (cited by Labcorp Genetics (formerly Invitae), Labcorp).

NM_004360.5(CDH1):c.1215del (p.Asn405fs)

Gene: CDH1 (cadherin 1; plus strand). Cytogenetic location: 16q22.1.
Variant type: Deletion.
Coding change: c.1215del on transcript NM_004360.5 (MANE Select); coding-DNA position 1215, one base deleted (T; older notation c.1215delT).
Protein change: p.Asn405fs; shifts the reading frame from asparagine 405.
Molecular consequence: frameshift variant. On other transcripts: 5 prime UTR variant (2), intron variant (1).
Genome position (GRCh38, 1-based): chr16:68,813,390, T deleted. VCF-style (leftmost placement, unchanged base first): chr16-68813389-AT-A. GRCh37 (hg19) VCF-style: chr16-68847292-AT-A.
Other names: c.1215delT (NM_004360.5); c.-401del (NM_001317185.2); c.-605del (NM_001317186.2); c.1137+1127del (NM_001317184.2); short protein forms N405fs.
Identifiers: ClinVar variation 1394001 (VCV001394001.9), dbSNP rs2152133449, ClinGen allele CA2573049048.